The following is an entry in ClinVar:

Conditions:
Long QT syndrome 5 (LQT5). Identifiers: Orphanet 101016, Orphanet 768, MedGen C1867904, MONDO:0013372, OMIM 613695.

Submission:

Roden Lab, Vanderbilt University Medical Center
No classification provided (evidence only). Condition: Long QT syndrome 5. Review status: no classification provided. Collection method: in vitro. Allele origin: not applicable. Functional consequence: Effect on ion channel function.
ClinVar note: "not provided" was previously submitted as the classification for the variant. However, the classification appeared to be based only on an observation of functional data so it was converted to no classification on 2025-07-30.

NM_000219.6(KCNE1):c.230C>T (p.Pro77Leu)

Gene: KCNE1 (potassium voltage-gated channel subfamily E regulatory subunit 1; minus strand). Cytogenetic location: 21q22.12.
Variant type: single nucleotide variant.
Coding change: c.230C>T on transcript NM_000219.6 (MANE Select); coding-DNA position 230, C replaced by T.
Protein change: p.Pro77Leu; replaces proline 77 with leucine.
Molecular consequence: missense variant.
Genome position (GRCh38, 1-based): chr21:34,449,405, G>A on the plus strand (C>T on the coding strand, the complement: KCNE1 is on the minus strand). VCF-style: chr21-34449405-G-A. GRCh37 (hg19) VCF-style: chr21-35821703-G-A.
Other names: c.230C>T, p.Pro77Leu (NM_001127668.4, NM_001127669.4, NM_001127670.4 and 4 more transcripts); short protein forms P77L.
Identifiers: ClinVar variation 3374386 (VCV003374386.2).